The following is an entry in ClinVar:

NM_001171.6(ABCC6):c.1552C>T (p.Arg518Ter)

Gene: ABCC6 (ATP binding cassette subfamily C member 6; minus strand). Cytogenetic location: 16p13.11.
Variant type: single nucleotide variant.
Coding change: c.1552C>T on transcript NM_001171.6 (MANE Select); coding-DNA position 1552, C replaced by T.
Protein change: p.Arg518Ter; replaces arginine 518 with a stop codon.
Molecular consequence: nonsense. On other transcripts: non-coding transcript variant (1).
Genome position (GRCh38, 1-based): chr16:16,190,247, G>A on the plus strand (C>T on the coding strand, the complement: ABCC6 is on the minus strand). VCF-style: chr16-16190247-G-A. GRCh37 (hg19) VCF-style: chr16-16284104-G-A.
Other names: c.1210C>T, p.Arg404Ter (NM_001351800.1); short protein forms R518*, R404*.
Identifiers: ClinVar variation 30339 (VCV000030339.50), dbSNP rs72650700, ClinGen allele CA129124.
Genomic context (GRCh38, chr16:16,190,247, plus strand): 5'-ACACCAGCGACACAGAGAAGAGGAGGCCGGAGGTCCGCAAGGCGCCCAGCTCCTGGCCTC[G>A]GATGCCCAGGACTCTGTCCAGAAAGGCTCCCTCCCAGCCATGGAACTTGATGGTCTTCGA-3'

ClinVar aggregate classification (germline): Pathogenic. Review status: criteria provided, multiple submitters, no conflicts (2 of 4 stars). 12 submissions from 11 submitters: Pathogenic (9). 3 of the submissions do not count toward it. Last evaluated 2026-06-08.

Conditions:
Pseudoxanthoma elasticum, forme fruste. Also called: PSEUDOXANTHOMA ELASTICUM, HETEROZYGOUS; Pseudoxanthoma Elasticum, Incomplete. Identifiers: Orphanet 758, MedGen C1867450, MONDO:0008333, OMIM 177850.
Autosomal recessive inherited pseudoxanthoma elasticum (PXE). Identifiers: Orphanet 758, MedGen CN032334, MONDO:0009925, OMIM 264800.
ABCC6-related disorder. Also called: ABCC6-related condition.
Arterial calcification, generalized, of infancy, 2. Identifiers: Orphanet 51608, MedGen C3276161, MONDO:0013768, OMIM 614473.

Allele frequency attached by ClinVar (database versions not stated): gnomAD 0.00004 and 0.00003; ExAC 0.00005; TOPMed 0.00003.

Submissions (12):

PreventionGenetics, part of Exact Sciences
Classification: Pathogenic for ABCC6-related condition. Last evaluated: 2026-06-08. Review status: criteria provided, single submitter. Criteria: ACMG Guidelines, 2015. Collection method: clinical testing. Allele origin: germline.
Comment: The ABCC6 c.1552C>T variant is predicted to result in premature protein termination (p.Arg518*). This variant has been reported in individuals with autosomal recessive pseudoxanthoma elasticum (PXE) and autosomal recessive generalized calcification of infancy (GACI) (Table 1, Meloni et al. 2001. PubMed ID: 11439001; Table 1, Miksch et al. 2005. PubMed ID: 16086317; Table 2, Pfendner et al. 2007. PubMed ID: 17617515; Table 2, Nitschke et al. 2011. PubMed ID: 22209248; Table S1, Boraldi et al. 2021. PubMed ID: 34205333; Table S1, Saeidian et al. 2021. PubMed ID: 34906475). This variant is reported in 0.0079% of alleles in individuals of European (Non-Finnish) descent in gnomAD. Nonsense variants in ABCC6 are expected to be pathogenic. This variant is interpreted as pathogenic.

Labcorp Genetics (formerly Invitae), Labcorp
Classification: Pathogenic. Last evaluated: 2025-12-11. Review status: criteria provided, single submitter. Criteria: Invitae Variant Classification Sherloc (09022015). Collection method: clinical testing. Allele origin: germline.
Comment: This sequence change creates a premature translational stop signal (p.Arg518*) in the ABCC6 gene. It is expected to result in an absent or disrupted protein product. Loss-of-function variants in ABCC6 are known to be pathogenic (PMID: 11536079, 17617515). This variant is present in population databases (rs72650700, gnomAD 0.007%). This premature translational stop signal has been observed in individual(s) with pseudoxanthoma elasticum (PMID: 11439001). ClinVar contains an entry for this variant (Variation ID: 30339). For these reasons, this variant has been classified as Pathogenic.

Blueprint Genetics
Classification: Pathogenic for ABCC6-related disorders. Last evaluated: 2024-07-16. Review status: criteria provided, single submitter. Criteria: ACMG Guidelines, 2015. Collection method: clinical testing. Allele origin: germline. Affected: yes. Observed: 5 variant alleles.

3billion
Classification: Pathogenic for Autosomal recessive inherited pseudoxanthoma elasticum. Last evaluated: 2022-09-01. Review status: criteria provided, single submitter. Criteria: ACMG Guidelines, 2015. Collection method: clinical testing. Allele origin: germline. Affected: yes. Observed: 1 heterozygote.
Comment: The variant is observed at an extremely low frequency in the gnomAD v2.1.1 dataset (total allele frequency: 0.004%). This stop-gained (nonsense) variant is predicted to result in a loss or disruption of normal protein function through nonsense-mediated decay (NMD) or protein truncation. Multiple pathogenic variants are reported downstream of the variant. The variant has been reported at least twice as pathogenic with clinical assertions and evidence for the classification (ClinVar ID: VCV000030339/ PMID: 11439001). Therefore, this variant is classified as Pathogenic according to the recommendation of ACMG/AMP guideline.

Fulgent Genetics
Classification: Pathogenic for Pseudoxanthoma elasticum, forme fruste; Autosomal recessive inherited pseudoxanthoma elasticum; Arterial calcification, generalized, of infancy, 2. Last evaluated: 2022-03-11. Review status: criteria provided, single submitter. Criteria: ACMG Guidelines, 2015. Collection method: clinical testing. Allele origin: unknown.

CeGaT Center for Human Genetics Tuebingen
Classification: Pathogenic. Last evaluated: 2021-06-01. Review status: criteria provided, single submitter. Criteria: CeGaT Center For Human Genetics Tuebingen Variant Classification Criteria Version 2. Collection method: clinical testing. Allele origin: germline. Affected: yes. Observed: 1 variant allele.

Centre for Mendelian Genomics, University Medical Centre Ljubljana
Classification: Pathogenic for Arterial calcification, generalized, of infancy, 2. Last evaluated: 2019-08-23. Review status: criteria provided, single submitter. Criteria: ACMG Guidelines, 2015. Collection method: clinical testing. Allele origin: unknown. Affected: yes.
Comment: This variant was classified as: Pathogenic. The following ACMG criteria were applied in classifying this variant: PVS1,PM2,PP5.

GeneDx
Classification: Pathogenic. Last evaluated: 2018-07-09. Review status: criteria provided, single submitter. Criteria: GeneDx Variant Classification (06012015). Collection method: clinical testing. Allele origin: germline. Affected: yes.
Comment: The p.R518X nonsense variant in the ABCC6 gene has been reported previously in association with PXE (Meloni et al., 2001). This variant is predicted to cause loss of normal protein function either through protein truncation or nonsense-mediated mRNA decay. We interpret this variant as pathogenic.

Baylor Genetics
Classification: Pathogenic for Pseudoxanthoma elasticum, forme fruste; Pseudoxanthoma elasticum. Last evaluated: 2014-04-01. Review status: criteria provided, single submitter. Criteria: Yang et al. 2013. Collection method: clinical testing. Allele origin: paternal. Inheritance: Autosomal unknown. Affected: yes. Observed: 1 variant allele, 1 compound heterozygote. Study: Adult_WES.
Comment: Variant was in trans with a common missense variant [c.793A>G (p.R265G)].

OMIM
Classification: Pathogenic for ARTERIAL CALCIFICATION, GENERALIZED, OF INFANCY, 2. Last evaluated: 2012-01-13. Review status: no assertion criteria provided. Collection method: literature only. Allele origin: germline. Not counted in ClinVar's aggregate classification.

OMIM
Classification: Pathogenic for PSEUDOXANTHOMA ELASTICUM. Last evaluated: 2012-01-13. Review status: no assertion criteria provided. Collection method: literature only. Allele origin: germline. Not counted in ClinVar's aggregate classification.

PXE International
Classification: Pathogenic for Autosomal recessive inherited pseudoxanthoma elasticum. Review status: no assertion criteria provided. Collection method: research. Allele origin: germline. Affected: yes. Observed: 10 variant alleles. Clinical features observed: Papule (HP:0200034), Skin plaque (HP:0200035), Angioid streaks of the retina (HP:0001102), Angina pectoris (HP:0001681), Abnormal EKG (HP:0003115), Abnormally lax or hyperextensible skin (HP:0008067), Retinal hemorrhage (HP:0000573), Intermittent claudication (HP:0004417). Not counted in ClinVar's aggregate classification.

Literature cited by the submitters: PubMed 11536079 (cited by Labcorp Genetics (formerly Invitae), Labcorp); PubMed 17617515 (cited by Labcorp Genetics (formerly Invitae), Labcorp); PubMed 11439001 (cited by 4 submitters); PubMed 26633545 (cited by Baylor Genetics); PubMed 22209248 (cited by Baylor Genetics and OMIM); PubMed 16086317 (cited by OMIM).